The following is an entry in ClinVar:

ClinVar aggregate classification (germline): Uncertain significance (1 of 4 stars; one submission).

Conditions:
Congenital contractural arachnodactyly (CCA). Also called: Beals-Hecht syndrome; BEALS SYNDROME; Arthrogryposis, distal, type 9. Identifiers: Orphanet 115, MedGen C0220668, MONDO:0007363, OMIM 121050.

Submission:

Labcorp Genetics (formerly Invitae), Labcorp
Classification: Uncertain significance for Congenital contractural arachnodactyly. Last evaluated: 2025-11-24. Review status: criteria provided, single submitter. Criteria: Invitae Variant Classification Sherloc (09022015). Collection method: clinical testing. Allele origin: germline.
Comment: This sequence change replaces aspartic acid, which is acidic and polar, with valine, which is neutral and non-polar, at codon 1852 of the FBN2 protein (p.Asp1852Val). This variant is not present in population databases (gnomAD no frequency). This variant has not been reported in the literature in individuals affected with FBN2-related conditions. ClinVar contains an entry for this variant (Variation ID: 2727251). Invitae Evidence Modeling of protein sequence and biophysical properties (such as structural, functional, and spatial information, amino acid conservation, physicochemical variation, residue mobility, and thermodynamic stability) indicates that this missense variant is expected to disrupt FBN2 protein function with a positive predictive value of 80%. In summary, the available evidence is currently insufficient to determine the role of this variant in disease. Therefore, it has been classified as a Variant of Uncertain Significance.

NM_001999.4(FBN2):c.5555A>T (p.Asp1852Val)

Gene: FBN2 (fibrillin 2; minus strand). Cytogenetic location: 5q23.3.
Variant type: single nucleotide variant.
Coding change: c.5555A>T on transcript NM_001999.4 (MANE Select); coding-DNA position 5555, A replaced by T.
Protein change: p.Asp1852Val; replaces aspartic acid 1852 with valine.
Molecular consequence: missense variant.
Genome position (GRCh38, 1-based): chr5:128,305,630, T>A on the plus strand (A>T on the coding strand, the complement: FBN2 is on the minus strand). VCF-style: chr5-128305630-T-A. GRCh37 (hg19) VCF-style: chr5-127641322-T-A.
Other names: short protein forms D1852V.
Identifiers: ClinVar variation 2727251 (VCV002727251.3), dbSNP rs1749848470, ClinGen allele CA360740666.